The following is an entry in ClinVar:

NM_002834.5(PTPN11):c.957C>G (p.Asn319Lys)

Gene: PTPN11 (protein tyrosine phosphatase non-receptor type 11; plus strand). Cytogenetic location: 12q24.13.
Variant type: single nucleotide variant.
Coding change: c.957C>G on transcript NM_002834.5 (MANE Select); coding-DNA position 957, C replaced by G.
Protein change: p.Asn319Lys; replaces asparagine 319 with lysine.
Molecular consequence: missense variant.
Genome position (GRCh38, 1-based): chr12:112,477,880, C>G. VCF-style: chr12-112477880-C-G. GRCh37 (hg19) VCF-style: chr12-112915684-C-G.
Other names: c.957C>G, p.Asn319Lys (NM_001330437.2, NM_080601.3); c.954C>G, p.Asn318Lys (NM_001374625.1); short protein forms N318K, N319K.
Identifiers: ClinVar variation 5027643 (VCV005027643.1).

ClinVar aggregate classification (germline): Uncertain significance (1 of 4 stars; one submission).

Conditions:
Cardiovascular phenotype. Identifiers: MedGen CN230736.

gnomAD v4.1: 1 of 1,614,148 alleles (0.000062%); highest among the groups gnomAD compares: South Asian, 0.0011%; no homozygotes.

Submission:

Ambry Genetics
Classification: Uncertain significance for Cardiovascular phenotype. Last evaluated: 2026-08-29. Review status: criteria provided, single submitter. Criteria: Ambry Variant Classification Scheme 2023. Collection method: clinical testing. Allele origin: germline.
Comment: The p.N319K variant (also known as c.957C>G), located in coding exon 9 of the PTPN11 gene, results from a C to G substitution at nucleotide position 957. The asparagine at codon 319 is replaced by lysine, an amino acid with similar properties. This amino acid position is conserved. In addition, the in silico prediction for this alteration is inconclusive. Based on the available evidence, the clinical significance of this variant remains unclear.